The following is an entry in ClinVar:

ClinVar aggregate classification (germline): Uncertain significance. Review status: criteria provided, multiple submitters, no conflicts (2 of 4 stars). 2 submissions from 2 submitters: Uncertain significance (2). Last evaluated 2025-11-12.

Conditions:
Osteogenesis imperfecta type 10 (OI10). Also called: OI, TYPE X. Identifiers: Orphanet 666, MedGen C3151211, MONDO:0013459, OMIM 613848.
Preterm premature rupture of membranes (PPROM). Also called: Preterm premature rupture of the membranes. Identifiers: MedGen C0729264, MONDO:0012511, OMIM 610504, HP:6000310.

gnomAD v4.1: 8 of 1,613,056 alleles (0.0005%); highest among the groups gnomAD compares: East Asian, 0.0045%; no homozygotes.

Submissions (2):

Labcorp Genetics (formerly Invitae), Labcorp
Classification: Uncertain significance. Last evaluated: 2025-11-12. Review status: criteria provided, single submitter. Criteria: Invitae Variant Classification Sherloc (09022015). Collection method: clinical testing. Allele origin: germline.
Comment: This sequence change replaces arginine, which is basic and polar, with tryptophan, which is neutral and slightly polar, at codon 239 of the SERPINH1 protein (p.Arg239Trp). This variant is present in population databases (rs767729275, gnomAD 0.006%). This missense change has been observed in individuals with clinical features of osteogenesis imperfecta (internal data). ClinVar contains an entry for this variant (Variation ID: 3574000). Invitae Evidence Modeling of protein sequence and biophysical properties (such as structural, functional, and spatial information, amino acid conservation, physicochemical variation, residue mobility, and thermodynamic stability) indicates that this missense variant is expected to disrupt SERPINH1 protein function with a positive predictive value of 80%. In summary, the available evidence is currently insufficient to determine the role of this variant in disease. Therefore, it has been classified as a Variant of Uncertain Significance.

Fulgent Genetics
Classification: Uncertain significance for Preterm premature rupture of membranes; Osteogenesis imperfecta type 10. Last evaluated: 2024-02-02. Review status: criteria provided, single submitter. Criteria: ACMG Guidelines, 2015. Collection method: clinical testing. Allele origin: germline.

NM_001235.5(SERPINH1):c.715C>T (p.Arg239Trp)

Gene: SERPINH1 (serpin family H member 1; plus strand). Cytogenetic location: 11q13.5.
Variant type: single nucleotide variant.
Coding change: c.715C>T on transcript NM_001235.5 (MANE Select); coding-DNA position 715, C replaced by T.
Protein change: p.Arg239Trp; replaces arginine 239 with tryptophan.
Molecular consequence: missense variant.
Genome position (GRCh38, 1-based): chr11:75,568,823, C>T. VCF-style: chr11-75568823-C-T. GRCh37 (hg19) VCF-style: chr11-75279868-C-T.
Other names: c.715C>T, p.Arg239Trp (NM_001207014.3); short protein forms R239W.
Identifiers: ClinVar variation 3574000 (VCV003574000.2).